The following is an entry in ClinVar:

ClinVar aggregate classification (germline): Uncertain significance (1 of 4 stars; one submission).

Conditions:
Hypertrophic cardiomyopathy. Also called: HYPERTROPHIC MYOCARDIOPATHY. Identifiers: Orphanet 217569, MedGen C0007194, MeSH D002312, MONDO:0005045, HP:0001639.

Allele frequency attached by ClinVar (database versions not stated): gnomAD exomes below 0.00001; TOPMed below 0.00001; gnomAD 0.00001; ESP Exome Variant Server 0.00008; ExAC 0.00002.
gnomAD v4.1: 3 of 1,613,754 alleles (0.00019%); highest among the groups gnomAD compares: South Asian, 0.0011%; no homozygotes.

Submission:

Labcorp Genetics (formerly Invitae), Labcorp
Classification: Uncertain significance for Hypertrophic cardiomyopathy. Last evaluated: 2024-09-23. Review status: criteria provided, single submitter. Criteria: Invitae Variant Classification Sherloc (09022015). Collection method: clinical testing. Allele origin: germline.
Comment: This sequence change replaces glutamic acid, which is acidic and polar, with lysine, which is basic and polar, at codon 576 of the MYOM1 protein (p.Glu576Lys). This variant is present in population databases (rs373869989, gnomAD 0.003%). This variant has not been reported in the literature in individuals affected with MYOM1-related conditions. ClinVar contains an entry for this variant (Variation ID: 2064203). Invitae Evidence Modeling of protein sequence and biophysical properties (such as structural, functional, and spatial information, amino acid conservation, physicochemical variation, residue mobility, and thermodynamic stability) has been performed for this missense variant. However, the output from this modeling did not meet the statistical confidence thresholds required to predict the impact of this variant on MYOM1 protein function. In summary, the available evidence is currently insufficient to determine the role of this variant in disease. Therefore, it has been classified as a Variant of Uncertain Significance.

NM_003803.4(MYOM1):c.1726G>A (p.Glu576Lys)

Gene: MYOM1 (myomesin 1; minus strand). Cytogenetic location: 18p11.31.
Variant type: single nucleotide variant.
Coding change: c.1726G>A on transcript NM_003803.4 (MANE Select); coding-DNA position 1726, G replaced by A.
Protein change: p.Glu576Lys; replaces glutamic acid 576 with lysine.
Molecular consequence: missense variant.
Genome position (GRCh38, 1-based): chr18:3,151,811, C>T on the plus strand (G>A on the coding strand, the complement: MYOM1 is on the minus strand). VCF-style: chr18-3151811-C-T. GRCh37 (hg19) VCF-style: chr18-3151809-C-T.
Other names: c.1726G>A, p.Glu576Lys (NM_019856.2); short protein forms E576K.
Identifiers: ClinVar variation 2064203 (VCV002064203.4), dbSNP rs373869989, ClinGen allele CA8874874.